The following is an entry in ClinVar:

NM_004795.4(KL):c.2647G>C (p.Asp883His)

Gene: KL (klotho; plus strand). Cytogenetic location: 13q13.1.
Variant type: single nucleotide variant.
Coding change: c.2647G>C on transcript NM_004795.4 (MANE Select); coding-DNA position 2647, G replaced by C.
Protein change: p.Asp883His; replaces aspartic acid 883 with histidine.
Molecular consequence: missense variant.
Genome position (GRCh38, 1-based): chr13:33,061,726, G>C. VCF-style: chr13-33061726-G-C. GRCh37 (hg19) VCF-style: chr13-33635863-G-C.
Other names: short protein forms D883H.
Identifiers: ClinVar variation 2127780 (VCV002127780.4), dbSNP rs1872214452, ClinGen allele CA387798255.

ClinVar aggregate classification (germline): Uncertain significance (1 of 4 stars; one submission).

Allele frequency attached by ClinVar (database versions not stated): gnomAD exomes below 0.00001; TOPMed below 0.00001; gnomAD 0.00001.
gnomAD v4.1: 2 of 1,613,934 alleles (0.00012%); highest among the groups gnomAD compares: Non-Finnish European, 0.00017%; no homozygotes.

Submission:

Labcorp Genetics (formerly Invitae), Labcorp
Classification: Uncertain significance. Last evaluated: 2022-10-13. Review status: criteria provided, single submitter. Criteria: Invitae Variant Classification Sherloc (09022015). Collection method: clinical testing. Allele origin: germline.
Comment: This sequence change replaces aspartic acid, which is acidic and polar, with histidine, which is basic and polar, at codon 883 of the KL protein (p.Asp883His). In summary, the available evidence is currently insufficient to determine the role of this variant in disease. Therefore, it has been classified as a Variant of Uncertain Significance. Advanced modeling of protein sequence and biophysical properties (such as structural, functional, and spatial information, amino acid conservation, physicochemical variation, residue mobility, and thermodynamic stability) performed at Invitae indicates that this missense variant is not expected to disrupt KL protein function. This variant has not been reported in the literature in individuals affected with KL-related conditions. This variant is not present in population databases (gnomAD no frequency).